The following is an entry in ClinVar:

ClinVar aggregate classification (germline): Pathogenic. Review status: reviewed by expert panel (3 of 4 stars). 2 submissions from 2 submitters: Pathogenic (1). 1 of the submissions does not count toward it. Last evaluated 2016-09-08.

Conditions:
Breast-ovarian cancer, familial, susceptibility to, 1 (BROVCA1). Also called: BRCA1 Hereditary Breast and Ovarian Cancer; OVARIAN CANCER, SUSCEPTIBILITY TO. Identifiers: Orphanet 145, MedGen C2676676, MONDO:0011450, OMIM 604370. Disease mechanism: loss of function.
Familial cancer of breast. Also called: Hereditary breast cancer; hereditary breast carcinoma; BREAST CANCER, FAMILIAL. Identifiers: Orphanet 227535, MedGen C0346153, MONDO:0016419, OMIM 114480. Disease mechanism: loss of function.

Submissions (2):

Evidence-based Network for the Interpretation of Germline Mutant Alleles (ENIGMA)
Classification: Pathogenic for Breast-ovarian cancer, familial, susceptibility to, 1. Last evaluated: 2016-09-08. Review status: reviewed by expert panel. Criteria: ENIGMA BRCA1/2 Classification Criteria (2015). Collection method: curation. Allele origin: germline.
Comment: Variant allele predicted to encode a truncated non-functional protein.

Faculty of Pharmacy, Ain Shams University
Classification: Pathogenic for Familial Breast cancer. Last evaluated: 2013-01-12. Review status: no assertion criteria provided. Collection method: clinical testing. Allele origin: germline. Inheritance: Autosomal dominant inheritance. Affected: yes. Observed: 16 variant alleles. Not counted in ClinVar's aggregate classification.
Comment: This deletion lies within the BRCA1 BRCT repeats that are known to bind proteins involved in DNA damage checkpoint regulation and DSB repair. This results in loss of BRCA1 tumor suppressor function leading to genomic instability and, ultimately, the onset of breast and ovarian cancers. It is predicted to cause termination of BRCA1 protein translation at codon 1764. Two previously described mutations in the BIC database create a stop codon at the same position and are reported to be of clinical significance.

NM_007294.4(BRCA1):c.5205del (p.Val1736fs)

Gene: BRCA1 (BRCA1 DNA repair associated; minus strand). Cytogenetic location: 17q21.31.
Variant type: Deletion.
Coding change: c.5205del on transcript NM_007294.4 (MANE Select); coding-DNA position 5205, one base deleted (A; older notation c.5205delA).
Protein change: p.Val1736fs; shifts the reading frame from valine 1736.
Molecular consequence: frameshift variant. On other transcripts: non-coding transcript variant (1).
Genome position (GRCh38, 1-based): chr17:43,057,124, T deleted on the plus strand (A on the coding strand, the reverse complement: BRCA1 is on the minus strand); the first of 2 consecutive T bases (chr17:43,057,124-43,057,125); deleting either gives the same sequence. VCF-style (leftmost placement, unchanged base first): chr17-43057123-CT-C. GRCh37 (hg19) VCF-style: chr17-41209140-CT-C.
Other names: 5324delA,p.(Val1736Serfs*29); c.5205delA (U14680.1, NM_007294.3); c.4991delA, p.Val1665Serfs (NM_001407571.1, NM_001407894.1, NM_001407895.1 and 12 more transcripts); c.5270delA, p.Val1758Serfs (NM_001407581.1, NM_001407582.1); c.5267delA, p.Val1757Serfs (NM_001407583.1, NM_001407585.1, NM_001407587.1); c.5264delA, p.Val1756Serfs (NM_001407590.1, NM_001407591.1); c.5204delA, p.Val1736Serfs (NM_001407593.1, NM_001407594.1, NM_001407596.1 and 7 more transcripts); c.5201delA, p.Val1735Serfs (NM_001407610.1, NM_001407611.1, NM_001407612.1 and 17 more transcripts); and 77 more; short protein forms V1757fs, V1736fs, V1689fs, V632fs.
Identifiers: ClinVar variation 140168 (VCV000140168.5), dbSNP rs587781258, ClinGen allele CA003355.
Genomic context (GRCh38, chr17:43,057,123, plus strand): 5'-GGGATTCTCTTGCTCGCTTTGGACCTTGGTGGTTTCTTCCATTGACCACATCTCCTCTGA[CT>C]TCAAAATCATGCTGAAAGAAACCAAACACAACCCATCAGGATAAGAGAAAGAGAAGCTTC-3'